The following continues an entry in ClinVar:

NM_000257.4(MYH7):c.3235C>T (p.Arg1079Trp)

Gene: MYH7. ClinVar aggregate classification (germline): Conflicting classifications of pathogenicity. Uncertain significance (9); Likely benign (5).

Submissions 7 to 14 of 14:

Victorian Clinical Genetics Services, Murdoch Childrens Research Institute
Classification: Uncertain significance for Hypertrophic cardiomyopathy 1. Last evaluated: 2021-05-06. Review status: criteria provided, single submitter. Criteria: ACMG Guidelines, 2015. Collection method: clinical testing. Allele origin: germline. Inheritance: Autosomal dominant inheritance. Affected: yes.
Comment: Based on the classification scheme VCGS_Germline_v1.3.4, this variant is classified as VUS-3B. Following criteria are met: 0105 - The mechanism of disease for this gene is not clearly established however, missense variants have been proposed to act in a dominant negative manner (PMID: 24714796). (I) 0108 - This gene is associated with both recessive and dominant disease. Pathogenic variants in this gene are usually heterozygous however, a recessive inheritance pattern has been observed in severe cases (OMIM). (I) 0112 - The condition associated with this gene has incomplete penetrance (PMID: 29300372). (I) 0200 - Variant is predicted to result in a missense amino acid change from arginine to tryptophan. (I) 0251 - This variant is heterozygous. (I) 0302 - Variant is present in gnomAD (v2) <0.001 for a dominant condition (14 heterozygotes, 0 homozygotes), predominantly in the East Asian population at a frequency of 0.0006. (SP) 0309 - An alternative amino acid change at the same position has been observed in gnomAD (v3) (4 heterozygotes, 0 homozygotes). (I) 0502 - Missense variant with conflicting in silico predictions and uninformative conservation. (I) 0600 - Variant is located in the annotated myosin tail domain (DECIPHER). (I) 0708 - Other missense variants comparable to the one identified in this case have conflicting previous evidence for pathogenicity. The alternative amino acid change p.(Arg1079Gly) has been reported as a VUS and p.(Arg1079Gln) has been reported both as a VUS and pathogenic variant (ClinVar, LOVD). (I) 0808 - Previous reports of pathogenicity for this variant are conflicting. This variant has been reported as likely benign in predisposition screening of a healthy population, as VUS in individuals with cardiomyopathy (ClinVar) and as likely pathogenic in an individual with dilated cardiomyopathy (PMID: 30165862). In addition, this variant has been reported in multiple other individuals who suffered a sudden death, mostly of Asian descent (PMIDs: 28704380, 28255936, 29502107). (I) 1208 - Inheritance information for this variant is not currently available in this individual. (I) Legend: (SP) - Supporting pathogenic, (I) - Information, (SB) - Supporting benign

GeneDx
Classification: Uncertain significance. Last evaluated: 2020-01-28. Review status: criteria provided, single submitter. Criteria: GeneDx Variant Classification Process June 2021. Collection method: clinical testing. Allele origin: germline. Affected: yes.
Comment: Reported in association with sudden cardiac death, HCM, and DCM, though most patients harbored additional cardiogenetic variants (Sanchez et al., 2016; Zhang et al., 2016; Suktitipat et al., 2017; Girolami et al., 2010); Reported in ClinVar as a variant of uncertain significance or a likely benign variant by other clinical laboratories (ClinVar Variant ID# 164304; Landrum et al., 2016); In silico analysis, which includes protein predictors and evolutionary conservation, supports a deleterious effect; This variant is associated with the following publications: (PMID: 23403236, 22763267, 27930701, 27707468, 28704380, 30165862, 20359594)

Molecular Diagnostic Laboratory for Inherited Cardiovascular Disease, Montreal Heart Institute
Classification: Uncertain significance for Primary familial hypertrophic cardiomyopathy. Last evaluated: 2017-06-02. Review status: criteria provided, single submitter. Criteria: ACMG Guidelines, 2015. Collection method: clinical testing. Allele origin: germline. Affected: yes.

Illumina Laboratory Services, Illumina
Classification: Likely benign for MYH7-related skeletal myopathy. Last evaluated: 2017-04-27. Review status: criteria provided, single submitter. Criteria: ICSL Variant Classification Criteria 13 December 2019. Collection method: clinical testing. Allele origin: germline.
Comment: This variant was observed as part of a predisposition screen in an ostensibly healthy population. A literature search was performed for the gene, cDNA change, and amino acid change (where applicable). No publications were found based on this search. Allele frequency data from public databases allowed determination this variant is unlikely to cause disease. Therefore, this variant is classified as likely benign.

Illumina Laboratory Services, Illumina
Classification: Likely benign for Hypertrophic cardiomyopathy 1. Last evaluated: 2017-04-27. Review status: criteria provided, single submitter. Criteria: ICSL Variant Classification Criteria 13 December 2019. Collection method: clinical testing. Allele origin: germline.
Comment: the same text as in the submission from Illumina Laboratory Services, Illumina above.

Illumina Laboratory Services, Illumina
Classification: Likely benign for Myosin storage myopathy. Last evaluated: 2017-04-27. Review status: criteria provided, single submitter. Criteria: ICSL Variant Classification Criteria 13 December 2019. Collection method: clinical testing. Allele origin: germline.
Comment: the same text as in the submission from Illumina Laboratory Services, Illumina above.

Illumina Laboratory Services, Illumina
Classification: Likely benign for Dilated cardiomyopathy 1S. Last evaluated: 2017-04-27. Review status: criteria provided, single submitter. Criteria: ICSL Variant Classification Criteria 13 December 2019. Collection method: clinical testing. Allele origin: germline.
Comment: This variant was observed as part of a predisposition screen in an ostensibly healthy population. A literature search was performed for the gene, cDNA change, and amino acid change (where applicable). Publications were found based on this search. The evidence from the literature, in combination with allele frequency data from public databases where available, was sufficient to determine this variant is unlikely to cause disease. Therefore, this variant is classified as likely benign.

Laboratory for Molecular Medicine, Mass General Brigham Personalized Medicine
Classification: Uncertain significance. Last evaluated: 2014-06-26. Review status: criteria provided, single submitter. Criteria: LMM Criteria. Collection method: clinical testing. Allele origin: germline. Observed: 1 variant allele.
Comment: The Arg1079Trp variant in MYH7 has not been reported in individuals with cardiom yopathy but has been detected in 1/200 Chinese chromosomes by the 1000 Genomes P roject (rs192722540). Other variants at this position have been reported (Arg107 9Gly: Girolami 2010, Waldmuller 2011, LMM unpublished data; Arg10479Trp: dbSNP r s192722540), though their significance is unclear. Arginine at position 1079 is not conserved in evolution, though the change to tryptophan (Trp) was predicted to be pathogenic using a computational tool clinically validated by our laborato ry. This tool's pathogenic prediction is estimated to be correct 94% of the time (Jordan 2011). In summary, the clinical significance of the Arg1079Trp variant is uncertain.

Literature cited by the submitters: PubMed 27707468 (cited by 4 submitters); PubMed 27930701 (cited by 4 submitters); PubMed 28704380 (cited by 6 submitters); PubMed 30165862 (cited by 5 submitters); PubMed 33996946 (cited by Women's Health and Genetics/Laboratory Corporation of America, LabCorp and Labcorp Genetics (formerly Invitae), Labcorp); PubMed 20359594 (cited by 4 submitters); PubMed 28255936 (cited by Ambry Genetics and Victorian Clinical Genetics Services, Murdoch Childrens Research Institute); PubMed 24714796 (cited by Victorian Clinical Genetics Services, Murdoch Childrens Research Institute); PubMed 29300372 (cited by Victorian Clinical Genetics Services, Murdoch Childrens Research Institute); PubMed 29502107 (cited by Victorian Clinical Genetics Services, Murdoch Childrens Research Institute); PubMed 21750094 (cited by Illumina Laboratory Services, Illumina and Laboratory for Molecular Medicine, Mass General Brigham Personalized Medicine); PubMed 22763267 (cited by Illumina Laboratory Services, Illumina); PubMed 23403236 (cited by Illumina Laboratory Services, Illumina).